The following is an entry in ClinVar:

NM_130839.5(UBE3A):c.2344G>A (p.Val782Ile)

Genes: SNHG14 (small nucleolar RNA host gene 14; plus strand), UBE3A (ubiquitin protein ligase E3A; minus strand). Cytogenetic location: 15q11.2.
Variant type: single nucleotide variant.
Coding change: c.2344G>A on transcript NM_130839.5 (MANE Select); coding-DNA position 2344, G replaced by A.
Protein change: p.Val782Ile; replaces valine 782 with isoleucine.
Molecular consequence: missense variant. On other transcripts: non-coding transcript variant (1).
Genome position (GRCh38, 1-based): chr15:25,354,363, C>T on the plus strand (G>A on the coding strand, the complement: UBE3A is on the minus strand). VCF-style: chr15-25354363-C-T. GRCh37 (hg19) VCF-style: chr15-25599510-C-T.
Other names: p.V782I:GTT>ATT; NM_130839.5(UBE3A):c.2344G>A; p.Val782Ile; c.2353G>A, p.Val785Ile (NM_000462.5); c.2344G>A, p.Val782Ile (NM_001354505.1, NM_001354538.2); c.2284G>A, p.Val762Ile (NM_001354506.2, NM_001354507.2, NM_001354508.2 and 14 more transcripts); c.2188G>A, p.Val730Ile (NM_001354545.2); c.2167G>A, p.Val723Ile (NM_001354546.2); and 4 more; short protein forms V762I, V782I, V365I, V723I, V707I, V730I, V785I, V345I.
Identifiers: ClinVar variation 156124 (VCV000156124.15), dbSNP rs587782910, ClinGen allele CA173814.
Genomic context (GRCh38, chr15:25,354,363, plus strand): 5'-CACACCCCTTTGGTGAATCAAATCTTCCTCTGAAGAACTAAGTACCTCACCTAATCAGAA[C>T]AGAGTCCCTGGTATAGCCACCGTCATATTCTGTAGTTTCTTCTAGTGCTTGGAAATCTAG-3'
Protein context (NP_570854.1, residues 772-792): EYDGGYTRDS[Val782Ile]LIREFWEIVH

ClinVar aggregate classification (germline): Uncertain significance. Review status: reviewed by expert panel (3 of 4 stars). 6 submissions from 6 submitters: Uncertain significance (1). 5 of the submissions do not count toward it. Last evaluated 2022-06-30.

Conditions:
Inborn genetic diseases. Identifiers: MedGen C0950123, MeSH D030342.
Angelman syndrome (AS). Also called: HAPPY PUPPET SYNDROME. Identifiers: Orphanet 72, MedGen C0162635, MONDO:0007113, OMIM 105830. Disease mechanism: loss of function. Inheritance: AS is caused by disruption of maternally imprinted UBE3A located within the 15q11.2-q13 Angelman syndrome/Prader-Willi syndrome (AS/PWS) region., imprinting disorder.

Allele frequency attached by ClinVar (database versions not stated): ExAC 0.00001; gnomAD exomes 0.00001; TOPMed 0.00002; gnomAD 0.00003.
gnomAD v4.1: 77 of 1,613,312 alleles (0.0048%); highest among the groups gnomAD compares: Non-Finnish European, 0.0064%; no homozygotes.

Submissions (6):

ClinGen Rett and Angelman-like Disorders Variant Curation Expert Panel
Classification: Uncertain significance for Angelman syndrome. Last evaluated: 2022-06-30. Review status: reviewed by expert panel. Criteria: ClinGen RettAS ACMG Specifications V2. Collection method: curation. Allele origin: germline. Inheritance: Autosomal dominant inheritance.
Comment: The c.2284G>A p.(Val762Ile) variant in UBE3A (NM_130838.2) is present in gnomAD v2.1.1 at a frequency of 0.004% in the African/African-American sub population (no criteria met). The p.(Val762Ile) variant has been observed in at least 1 individual with a neurodevelopmental phenotype consistent with UBE3A-related disease (PMID 25212744), however the PS4 criteria cannot be applied due to the gnomAD frequency of this variant. Computational analysis prediction tools suggest that the p.(Val762Ile) variant does not have a deleterious impact; however this information does not predict clinical significance on its own (BP4). In summary, the c.2284G>A p.(Val762Ile) variant in UBE3A is classified as a Variant of Uncertain Signficance based on the ACMG/AMP criteria (BP4).

Ambry Genetics
Classification: Likely benign for Inborn genetic diseases. Last evaluated: 2025-10-10. Review status: criteria provided, single submitter. Criteria: Ambry Variant Classification Scheme 2023. Collection method: clinical testing. Allele origin: germline. Not counted in ClinVar's aggregate classification.

Labcorp Genetics (formerly Invitae), Labcorp
Classification: Uncertain significance for Angelman syndrome. Last evaluated: 2025-08-06. Review status: criteria provided, single submitter. Criteria: Invitae Variant Classification Sherloc (09022015). Collection method: clinical testing. Allele origin: germline. Not counted in ClinVar's aggregate classification.
Comment: This sequence change replaces valine, which is neutral and non-polar, with isoleucine, which is neutral and non-polar, at codon 762 of the UBE3A protein (p.Val762Ile). The frequency data for this variant in the population databases is considered unreliable, as metrics indicate poor data quality at this position in the gnomAD database. This missense change has been observed in individual(s) with clinical features of Angelman syndrome (PMID: 25212744). ClinVar contains an entry for this variant (Variation ID: 156124). Invitae Evidence Modeling of protein sequence and biophysical properties (such as structural, functional, and spatial information, amino acid conservation, physicochemical variation, residue mobility, and thermodynamic stability) indicates that this missense variant is not expected to disrupt UBE3A protein function with a negative predictive value of 80%. In summary, the available evidence is currently insufficient to determine the role of this variant in disease. Therefore, it has been classified as a Variant of Uncertain Significance.

GeneDx
Classification: Likely benign. Last evaluated: 2016-07-01. Review status: criteria provided, single submitter. Criteria: GeneDx Variant Classification (06012015). Collection method: clinical testing. Allele origin: germline. Affected: yes. Not counted in ClinVar's aggregate classification.
Comment: This variant is considered likely benign or benign based on one or more of the following criteria: it is a conservative change, it occurs at a poorly conserved position in the protein, it is predicted to be benign by multiple in silico algorithms, and/or has population frequency not consistent with disease.

Genetic Services Laboratory, University of Chicago
Classification: Likely benign. Last evaluated: 2015-05-08. Review status: criteria provided, single submitter. Criteria: ACMG Guidelines, 2015. Collection method: clinical testing. Allele origin: germline. Not counted in ClinVar's aggregate classification.

Baylor Genetics
Classification: Uncertain significance for Angelman syndrome. Last evaluated: 2014-02-14. Review status: no assertion criteria provided. Collection method: clinical testing. Allele origin: maternal, germline. Affected: yes. Observed: 4 variant alleles. Study: UBE3A Mutation Study. Not counted in ClinVar's aggregate classification.
Comment: possible diagnosis of Angelman syndrome

Data collected from clinical UBE3A sequence analysis results

Literature cited by the submitters: PubMed 25212744 (cited by 3 submitters).